The following is an entry in ClinVar:

NM_001163435.3(TBCK):c.1217A>G (p.Asp406Gly)

Gene: TBCK (TBC1 domain containing kinase; minus strand). Cytogenetic location: 4q24.
Variant type: single nucleotide variant.
Coding change: c.1217A>G on transcript NM_001163435.3 (MANE Select); coding-DNA position 1217, A replaced by G.
Protein change: p.Asp406Gly; replaces aspartic acid 406 with glycine.
Molecular consequence: missense variant.
Genome position (GRCh38, 1-based): chr4:106,236,762, T>C on the plus strand (A>G on the coding strand, the complement: TBCK is on the minus strand). VCF-style: chr4-106236762-T-C. GRCh37 (hg19) VCF-style: chr4-107157919-T-C.
Other names: c.1217A>G, p.Asp406Gly (NM_001163436.4); c.1100A>G, p.Asp367Gly (NM_001163437.3); c.701A>G, p.Asp234Gly (NM_001290768.2); c.1028A>G, p.Asp343Gly (NM_033115.5); short protein forms D367G, D406G, D234G, D343G.
Identifiers: ClinVar variation 2075381 (VCV002075381.4), dbSNP rs2477893546, ClinGen allele CA357823418.
Genomic context (GRCh38, chr4:106,236,762, plus strand): 5'-TAAATCTAATATAAATAGAAAGAAAAATAAATCTAAAATGAGACTACATATACTCACTCA[T>C]CTTCAAGTAATGGGTAAAATGCTTCTCCACCAACATCTTTCAATCTCTGTGTATTTAAAG-3'
Protein context (NP_001156907.2, residues 396-416): GGEAFYPLLE[Asp406Gly]DQSNLPHSNS

ClinVar aggregate classification (germline): Uncertain significance (1 of 4 stars; one submission).

Submission:

Labcorp Genetics (formerly Invitae), Labcorp
Classification: Uncertain significance. Last evaluated: 2022-01-05. Review status: criteria provided, single submitter. Criteria: Invitae Variant Classification Sherloc (09022015). Collection method: clinical testing. Allele origin: germline.
Comment: In summary, the available evidence is currently insufficient to determine the role of this variant in disease. Therefore, it has been classified as a Variant of Uncertain Significance. Algorithms developed to predict the effect of sequence changes on RNA splicing suggest that this variant may create or strengthen a splice site. Algorithms developed to predict the effect of missense changes on protein structure and function (SIFT, PolyPhen-2, Align-GVGD) all suggest that this variant is likely to be tolerated. This variant has not been reported in the literature in individuals affected with TBCK-related conditions. This variant is not present in population databases (gnomAD no frequency). This sequence change replaces aspartic acid, which is acidic and polar, with glycine, which is neutral and non-polar, at codon 406 of the TBCK protein (p.Asp406Gly).